The following is an entry in ClinVar:

ClinVar aggregate classification (germline): Likely benign (0 of 4 stars; one submission).

Conditions:
LPP-related disorder. Also called: LPP-related condition.

Allele frequency attached by ClinVar (database versions not stated): ExAC 0.00008; gnomAD 0.00011; TOPMed 0.00011; ESP Exome Variant Server 0.00015; 1000 Genomes Project 30x 0.00016; gnomAD exomes 0.00016; 1000 Genomes Project 0.00020.
gnomAD v4.1: 246 of 1,614,148 alleles (0.015%); highest among the groups gnomAD compares: Admixed American, 0.027%; no homozygotes.

Submission:

PreventionGenetics, part of Exact Sciences
Classification: Likely benign for LPP-related condition. Last evaluated: 2023-09-26. Review status: no assertion criteria provided. Collection method: clinical testing. Allele origin: germline.
Comment: This variant is classified as likely benign based on ACMG/AMP sequence variant interpretation guidelines (Richards et al. 2015 PMID: 25741868, with internal and published modifications).

NM_001375462.1(LPP):c.64C>T (p.Arg22Trp)

Gene: LPP (LIM domain containing preferred translocation partner in lipoma; plus strand). Cytogenetic location: 3q28.
Variant type: single nucleotide variant.
Coding change: c.64C>T on transcript NM_001375462.1 (MANE Select); coding-DNA position 64, C replaced by T.
Protein change: p.Arg22Trp; replaces arginine 22 with tryptophan.
Molecular consequence: missense variant. On other transcripts: non-coding transcript variant (1).
Genome position (GRCh38, 1-based): chr3:188,406,184, C>T. VCF-style: chr3-188406184-C-T. GRCh37 (hg19) VCF-style: chr3-188123972-C-T.
Other names: c.64C>T, p.Arg22Trp (NM_001167671.3, NM_001167672.3, NM_001375455.1 and 29 more transcripts); short protein forms R22W.
Identifiers: ClinVar variation 3034955 (VCV003034955.2), dbSNP rs183529256, ClinGen allele CA2751026.